The following is an entry in ClinVar:

ClinVar aggregate classification (germline): Benign/Likely benign. Review status: criteria provided, multiple submitters, no conflicts (2 of 4 stars). 2 submissions from 2 submitters: Benign (1); Likely benign (1). Last evaluated 2024-09-18.

Conditions:
Hereditary diffuse gastric adenocarcinoma (HDGC). Also called: DIFFUSE GASTRIC AND LOBULAR BREAST CANCER SYNDROME. Identifiers: Orphanet 26106, MedGen C1708349, MONDO:0007648, OMIM 137215.
Hereditary cancer-predisposing syndrome. Also called: Tumor predisposition; Neoplastic Syndromes, Hereditary; Hereditary Cancer Syndrome; Hereditary neoplastic syndrome. Identifiers: Orphanet 140162, MedGen C0027672, MeSH D009386, MONDO:0015356.

Submissions (2):

Myriad Genetics, Inc.
Classification: Benign for Hereditary diffuse gastric adenocarcinoma. Last evaluated: 2024-09-18. Review status: criteria provided, single submitter. Criteria: Myriad Autosomal Dominant, Autosomal Recessive and X-Linked Classification Criteria (2023). Collection method: clinical testing. Allele origin: unknown.
Comment: This variant is considered benign. This variant is a silent/synonymous amino acid change and it is not expected to impact splicing.

Ambry Genetics
Classification: Likely benign for Hereditary cancer-predisposing syndrome. Last evaluated: 2021-01-24. Review status: criteria provided, single submitter. Criteria: Ambry Variant Classification Scheme 2023. Collection method: clinical testing. Allele origin: germline.

NM_004360.5(CDH1):c.1377G>A (p.Val459=)

Gene: CDH1 (cadherin 1; plus strand). Cytogenetic location: 16q22.1.
Variant type: single nucleotide variant.
Coding change: c.1377G>A on transcript NM_004360.5 (MANE Select); coding-DNA position 1377, G replaced by A.
Protein change: p.Val459=; no amino-acid change (valine 459 retained).
Molecular consequence: synonymous variant. On other transcripts: 5 prime UTR variant (2).
Genome position (GRCh38, 1-based): chr16:68,815,571, G>A. VCF-style: chr16-68815571-G-A. GRCh37 (hg19) VCF-style: chr16-68849474-G-A.
Other names: c.1194G>A, p.Val398= (NM_001317184.2); c.-172G>A (NM_001317185.2); c.-443G>A (NM_001317186.2).
Identifiers: ClinVar variation 1771195 (VCV001771195.3), dbSNP rs2152134784, ClinGen allele CA496153943.
Genomic context (GRCh38, chr16:68,815,571, plus strand): 5'-CTAGGGCTTGGATTTTGAGGCCAAGCAGCAGTACATTCTACACGTAGCAGTGACGAATGT[G>A]GTACCTTTTGAGGTCTCTCTCACCACCTCCACAGCCACCGTCACCGTGGATGTGCTGGAT-3'
Protein context (NP_004351.1, residues 449-469): QYILHVAVTN[Val459=]VPFEVSLTTS